The following is an entry in ClinVar:

ClinVar aggregate classification (germline): Uncertain significance (1 of 4 stars; one submission).

Conditions:
Cystic fibrosis (CF). Also called: MUCOVISCIDOSIS. Identifiers: Orphanet 586, MedGen C0010674, MONDO:0009061, OMIM 219700. Disease mechanism: loss of function.

Allele frequency attached by ClinVar (database versions not stated): gnomAD exomes below 0.00001.
gnomAD v4.1: 1 of 1,593,178 alleles (0.000063%); highest among the groups gnomAD compares: South Asian, 0.0012%; no homozygotes.

Submission:

Ambry Genetics
Classification: Uncertain significance for Cystic fibrosis. Last evaluated: 2023-12-19. Review status: criteria provided, single submitter. Criteria: Ambry Variant Classification Scheme 2023. Collection method: clinical testing. Allele origin: germline.
Comment: The p.I616T variant (also known as c.1847T>C), located in coding exon 14 of the CFTR gene, results from a T to C substitution at nucleotide position 1847. The isoleucine at codon 616 is replaced by threonine, an amino acid with similar properties. This amino acid position is conserved. In addition, this alteration is predicted to be deleterious by in silico analysis. Since supporting evidence is limited at this time, the clinical significance of this alteration remains unclear.

NM_000492.4(CFTR):c.1847T>C (p.Ile616Thr)

Gene: CFTR (CF transmembrane conductance regulator; plus strand). Cytogenetic location: 7q31.2.
Variant type: single nucleotide variant.
Coding change: c.1847T>C on transcript NM_000492.4 (MANE Select); coding-DNA position 1847, T replaced by C.
Protein change: p.Ile616Thr; replaces isoleucine 616 with threonine.
Molecular consequence: missense variant.
Genome position (GRCh38, 1-based): chr7:117,592,014, T>C. VCF-style: chr7-117592014-T-C. GRCh37 (hg19) VCF-style: chr7-117232068-T-C.
Other names: short protein forms I616T.
Identifiers: ClinVar variation 3231837 (VCV003231837.1), dbSNP rs2485109184, ClinGen allele CA368978389.
Genomic context (GRCh38, chr7:117,592,014, plus strand): 5'-CTAACAAAACTAGGATTTTGGTCACTTCTAAAATGGAACATTTAAAGAAAGCTGACAAAA[T>C]ATTAATTTTGCATGAAGGTAGCAGCTATTTTTATGGGACATTTTCAGAACTCCAAAATCT-3'
Protein context (NP_000483.3, residues 606-626): KMEHLKKADK[Ile616Thr]LILHEGSSYF